The following is an entry in ClinVar:

ClinVar aggregate classification (germline): Likely pathogenic (1 of 4 stars; one submission).

Conditions:
Mucolipidosis type II. Also called: ML II ALPHA/BETA; Mucolipidosis 2; ML 2; Inclusion cell disease; Leroy Disease; N-acetylglucosamine 1phosphotransferase deficiency. Identifiers: Orphanet 576, MedGen C2673377, MONDO:0009650, OMIM 252500.

Submission:

Natera, Inc.
Classification: Likely pathogenic for Mucolipidosis type II. Last evaluated: 2025-01-30. Review status: criteria provided, single submitter. Criteria: Natera Variant Classification Schema (03/2026). Collection method: clinical testing. Allele origin: germline.
Comment: The c.1504_1505del variant in GNPTAB is a frameshift variant predicted to shift the reading frame beginning at codon 502 and leads to a stop codon 4 codons downstream. This variant is expected to result in nonsense mediated decay, truncation, or a dysfunctional protein product. This variant is rare in the general population with a frequency below the threshold expected for the associated phenotype(s). Given the available evidence, this variant is classified as Likely Pathogenic.

NM_024312.5(GNPTAB):c.1504_1505del (p.Val502fs)

Gene: GNPTAB (N-acetylglucosamine-1-phosphate transferase subunits alpha and beta; minus strand). Cytogenetic location: 12q23.2.
Variant type: Microsatellite.
Coding change: c.1504_1505del on transcript NM_024312.5 (MANE Select); coding-DNA positions 1504 to 1505, 2 bases deleted (GT; older notation c.1504_1505delGT).
Protein change: p.Val502fs; shifts the reading frame from valine 502.
Molecular consequence: frameshift variant.
Genome position (GRCh38, 1-based): chr12:101,766,198-101,766,199, AC deleted on the plus strand (GT on the coding strand, the reverse complement: GNPTAB is on the minus strand); deleting any 2 consecutive bases within chr12:101,766,198-101,766,201 gives the same sequence; the c. name uses the placement nearest the transcript's 3' end. VCF-style (leftmost placement, unchanged base first): chr12-101766197-GAC-G. GRCh37 (hg19) VCF-style: chr12-102159975-GAC-G.
Other names: short protein forms V502fs.
Identifiers: ClinVar variation 4068863 (VCV004068863.2).